The following is an entry in ClinVar:

NM_000350.3(ABCA4):c.2639G>A (p.Trp880Ter)

Gene: ABCA4 (ATP binding cassette subfamily A member 4; minus strand). Cytogenetic location: 1p22.1.
Variant type: single nucleotide variant.
Coding change: c.2639G>A on transcript NM_000350.3 (MANE Select); coding-DNA position 2639, G replaced by A.
Protein change: p.Trp880Ter; replaces tryptophan 880 with a stop codon.
Molecular consequence: nonsense.
Genome position (GRCh38, 1-based): chr1:94,051,647, C>T on the plus strand (G>A on the coding strand, the complement: ABCA4 is on the minus strand). VCF-style: chr1-94051647-C-T. GRCh37 (hg19) VCF-style: chr1-94517203-C-T.
Other names: c.2417G>A, p.Trp806Ter (NM_001425324.1); short protein forms W880*, W806*.
Identifiers: ClinVar variation 2763532 (VCV002763532.3), dbSNP rs2523805141, ClinGen allele CA341276097.

ClinVar aggregate classification (germline): Pathogenic (1 of 4 stars; one submission).

Submission:

Labcorp Genetics (formerly Invitae), Labcorp
Classification: Pathogenic. Last evaluated: 2023-09-26. Review status: criteria provided, single submitter. Criteria: Invitae Variant Classification Sherloc (09022015). Collection method: clinical testing. Allele origin: germline.
Comment: For these reasons, this variant has been classified as Pathogenic. This variant has not been reported in the literature in individuals affected with ABCA4-related conditions. This variant is not present in population databases (gnomAD no frequency). This sequence change creates a premature translational stop signal (p.Trp880*) in the ABCA4 gene. It is expected to result in an absent or disrupted protein product. Loss-of-function variants in ABCA4 are known to be pathogenic (PMID: 10958761, 24938718, 25312043, 26780318).

Literature cited by the submitters: PubMed 10958761; PubMed 24938718; PubMed 25312043; PubMed 26780318.